The following is an entry in ClinVar:

ClinVar aggregate classification (germline): Uncertain significance (1 of 4 stars; one submission).

Allele frequency attached by ClinVar (database versions not stated): TOPMed 0.00001.
gnomAD v4.1: 5 of 1,613,522 alleles (0.00031%); highest among the groups gnomAD compares: Non-Finnish European, 0.00042%; no homozygotes.

Submission:

Ambry Genetics
Classification: Uncertain significance. Last evaluated: 2025-08-12. Review status: criteria provided, single submitter. Criteria: Ambry Variant Classification Scheme 2023. Collection method: clinical testing. Allele origin: germline.
Comment: The p.H384Y variant (also known as c.1150C>T), located in coding exon 8 of the CTNNA3 gene, results from a C to T substitution at nucleotide position 1150. The histidine at codon 384 is replaced by tyrosine, an amino acid with similar properties. This amino acid position is conserved. In addition, this alteration is predicted to be deleterious by in silico analysis. Since supporting evidence is limited at this time, the clinical significance of this alteration remains unclear.

NM_013266.4(CTNNA3):c.1150C>T (p.His384Tyr)

Gene: CTNNA3 (catenin alpha 3; minus strand). Cytogenetic location: 10q21.3.
Variant type: single nucleotide variant.
Coding change: c.1150C>T on transcript NM_013266.4 (MANE Select); coding-DNA position 1150, C replaced by T.
Protein change: p.His384Tyr; replaces histidine 384 with tyrosine.
Molecular consequence: missense variant.
Genome position (GRCh38, 1-based): chr10:66,766,395, G>A on the plus strand (C>T on the coding strand, the complement: CTNNA3 is on the minus strand). VCF-style: chr10-66766395-G-A. GRCh37 (hg19) VCF-style: chr10-68526153-G-A.
Other names: c.1150C>T, p.His384Tyr (NM_001127384.3); short protein forms H384Y.
Identifiers: ClinVar variation 1733964 (VCV001733964.3), dbSNP rs1265408897, ClinGen allele CA377092046.